The following is an entry in ClinVar:

ClinVar aggregate classification (germline): Benign. Review status: criteria provided, multiple submitters, no conflicts (2 of 4 stars). 2 submissions from 2 submitters: Benign (2). Last evaluated 2018-01-12.

Conditions:
Congenital myasthenic syndrome (CMS). Also called: Congenital Myasthenic Syndromes. Identifiers: Orphanet 590, MedGen C0751882, MeSH D020294, MONDO:0018940.

Allele frequency attached by ClinVar (database versions not stated): gnomAD exomes 0.04717; gnomAD 0.15373 and 0.15504; TOPMed 0.17153; 1000 Genomes Project 0.21526; 1000 Genomes Project 30x 0.21721.
gnomAD v4.1: 23,101 of 151,546 alleles (15%); highest among the groups gnomAD compares: East Asian, 34%; 2,825 homozygotes.

Submissions (2):

Illumina Laboratory Services, Illumina
Classification: Benign for Congenital myasthenic syndrome. Last evaluated: 2018-01-12. Review status: criteria provided, single submitter. Criteria: ICSL Variant Classification Criteria 13 December 2019. Collection method: clinical testing. Allele origin: germline.
Comment: This variant was observed in the ICSL laboratory as part of a predisposition screen in an ostensibly healthy population. It had not been previously curated by ICSL or reported in the Human Gene Mutation Database (HGMD: prior to June 1st, 2018), and was therefore a candidate for classification through an automated scoring system. Utilizing variant allele frequency, disease prevalence and penetrance estimates, and inheritance mode, an automated score was calculated to assess if this variant is too frequent to cause the disease. Based on the score and internal cut-off values, a variant classified as benign is not then subjected to further curation. The score for this variant resulted in a classification of benign for this disease.

Breakthrough Genomics
Classification: Benign. Review status: criteria provided, single submitter. Criteria: ACMG Guidelines, 2015. Collection method: not provided. Allele origin: germline. Inheritance: Autosomal recessive inheritance. Affected: yes.

NM_000080.4(CHRNE):c.*906G>C

Genes: CHRNE (cholinergic receptor nicotinic epsilon subunit; minus strand), MINK1 (misshapen like kinase 1; plus strand). Cytogenetic location: 17p13.2.
Variant type: single nucleotide variant.
Coding change: c.*906G>C on transcript NM_000080.4 (MANE Select); 906 bases downstream of the stop codon, G replaced by C.
Molecular consequence: 3 prime UTR variant.
Genome position (GRCh38, 1-based): chr17:4,897,830, C>G on the plus strand (G>C on the coding strand, the complement: CHRNE is on the minus strand). VCF-style: chr17-4897830-C-G. GRCh37 (hg19) VCF-style: chr17-4801125-C-G.
Other names: c.*543C>G (NM_001024937.4, NM_001321236.2, NM_015716.5 and 2 more transcripts).
Identifiers: ClinVar variation 323943 (VCV000323943.6), dbSNP rs9914357, ClinGen allele CA10649587.